The following is an entry in ClinVar:

NM_078629.4(MSL3):c.510A>T (p.Arg170Ser)

Gene: MSL3 (MSL complex subunit 3; plus strand). Cytogenetic location: Xp22.2.
Variant type: single nucleotide variant.
Coding change: c.510A>T on transcript NM_078629.4 (MANE Select); coding-DNA position 510, A replaced by T.
Protein change: p.Arg170Ser; replaces arginine 170 with serine.
Molecular consequence: missense variant.
Genome position (GRCh38, 1-based): chrX:11,762,174, A>T. VCF-style: chrX-11762174-A-T. GRCh37 (hg19) VCF-style: chrX-11780293-A-T.
Other names: c.474A>T, p.Arg158Ser (NM_001193270.2); c.63A>T, p.Arg21Ser (NM_001282174.1); c.12A>T, p.Arg4Ser (NM_006800.4); c.510A>T, p.Arg170Ser (NM_078628.2); short protein forms R158S, R170S, R21S, R4S.
Identifiers: ClinVar variation 3897304 (VCV003897304.1).
Genomic context (GRCh38, chrX:11,762,174, plus strand): 5'-AATTTTGATATTGCAGAAAGAAGAACCAGAGCTTCAAACAAGAAGGGAAATGGAAGAAAG[A>T]ACAATAACTATAGAAATCCCTGAAGTTCTGAAGAAGCAGCTGGAGGATGATTGTTACTAC-3'
Protein context (NP_523353.2, residues 160-180): ELQTRREMEE[Arg170Ser]TITIEIPEVL

ClinVar aggregate classification (germline): Uncertain significance (1 of 4 stars; one submission).

Submission:

GeneDx
Classification: Uncertain significance. Last evaluated: 2024-11-03. Review status: criteria provided, single submitter. Criteria: GeneDx Variant Classification Process June 2021. Collection method: clinical testing. Allele origin: germline. Affected: yes.
Comment: Not observed at significant frequency in large population cohorts (gnomAD); In silico analysis supports that this missense variant has a deleterious effect on protein structure/function; Has not been previously published as pathogenic or benign to our knowledge